The following is an entry in ClinVar:

NM_018972.4(GDAP1):c.586C>G (p.Leu196Val)

Gene: GDAP1 (ganglioside induced differentiation associated protein 1; plus strand). Cytogenetic location: 8q21.11.
Variant type: single nucleotide variant.
Coding change: c.586C>G on transcript NM_018972.4 (MANE Select); coding-DNA position 586, C replaced by G.
Protein change: p.Leu196Val; replaces leucine 196 with valine.
Molecular consequence: missense variant.
Genome position (GRCh38, 1-based): chr8:74,362,945, C>G. VCF-style: chr8-74362945-C-G. GRCh37 (hg19) VCF-style: chr8-75275180-C-G.
Other names: c.382C>G, p.Leu128Val (NM_001040875.4); c.259C>G, p.Leu87Val (NM_001362929.2, NM_001362932.2); c.412C>G, p.Leu138Val (NM_001362930.2); c.586C>G, p.Leu196Val (NM_001362931.2); short protein forms L196V, L87V, L128V, L138V.
Identifiers: ClinVar variation 392432 (VCV000392432.7), dbSNP rs1057524488, ClinGen allele CA16605502.

ClinVar aggregate classification (germline): Uncertain significance. Review status: criteria provided, multiple submitters, no conflicts (2 of 4 stars). 2 submissions from 2 submitters: Uncertain significance (2). Last evaluated 2022-08-23.

Conditions:
Charcot-Marie-Tooth disease type 4A. Also called: Charcot-Marie-Tooth disease, demyelinating, autosomal recessive, type 4a. Identifiers: Orphanet 99948, MedGen C1859198, MONDO:0008961, OMIM 214400.

Submissions (2):

Labcorp Genetics (formerly Invitae), Labcorp
Classification: Uncertain significance for Charcot-Marie-Tooth disease type 4A. Last evaluated: 2022-08-23. Review status: criteria provided, single submitter. Criteria: Invitae Variant Classification Sherloc (09022015). Collection method: clinical testing. Allele origin: germline.
Comment: In summary, the available evidence is currently insufficient to determine the role of this variant in disease. Therefore, it has been classified as a Variant of Uncertain Significance. Algorithms developed to predict the effect of sequence changes on RNA splicing suggest that this variant may create or strengthen a splice site. Advanced modeling of protein sequence and biophysical properties (such as structural, functional, and spatial information, amino acid conservation, physicochemical variation, residue mobility, and thermodynamic stability) performed at Invitae indicates that this missense variant is expected to disrupt GDAP1 protein function. ClinVar contains an entry for this variant (Variation ID: 392432). This variant has not been reported in the literature in individuals affected with GDAP1-related conditions. This variant is not present in population databases (gnomAD no frequency). This sequence change replaces leucine, which is neutral and non-polar, with valine, which is neutral and non-polar, at codon 196 of the GDAP1 protein (p.Leu196Val).

GeneDx
Classification: Uncertain significance. Last evaluated: 2017-01-19. Review status: criteria provided, single submitter. Criteria: GeneDx Variant Classification (06012015). Collection method: clinical testing. Allele origin: germline. Affected: yes.
Comment: The L196V variant in the GDAP1 gene has not been reported previously as a pathogenic variant, nor as a benign variant, to our knowledge. The L196V variant was not observed in approximately 6500 individuals of European and African American ancestry in the NHLBI Exome Sequencing Project, indicating it is not a common benign variant in these populations. The L196V variant is a conservative amino acid substitution, which is not likely to impact secondary protein structure as these residues share similar properties. This substitution occurs at a position where amino acids with similar properties to Leucine are tolerated across species. In silico analysis is inconsistent in its predictions as to whether or not the variant is damaging to the protein structure/function. We interpret L196V as a variant of uncertain significance.